The following is an entry in ClinVar:

NM_005269.3(GLI1):c.1517T>A (p.Leu506Gln)

Gene: GLI1 (GLI family zinc finger 1; plus strand). Cytogenetic location: 12q13.3.
Variant type: single nucleotide variant.
Coding change: c.1517T>A on transcript NM_005269.3 (MANE Select); coding-DNA position 1517, T replaced by A.
Protein change: p.Leu506Gln; replaces leucine 506 with glutamine.
Molecular consequence: missense variant.
Genome position (GRCh38, 1-based): chr12:57,469,639, T>A. VCF-style: chr12-57469639-T-A. GRCh37 (hg19) VCF-style: chr12-57863422-T-A.
Other names: c.1133T>A, p.Leu378Gln (NM_001160045.2); c.1394T>A, p.Leu465Gln (NM_001167609.2); short protein forms L506Q, L378Q, L465Q.
Identifiers: ClinVar variation 626906 (VCV000626906.5), dbSNP rs753690500, ClinGen allele CA6648801.

ClinVar aggregate classification (germline): Uncertain significance. Review status: criteria provided, multiple submitters, no conflicts (2 of 4 stars). 3 submissions from 3 submitters: Uncertain significance (2). 1 of the submissions does not count toward it. Last evaluated 2023-07-22.

Conditions:
Polydactyly of a biphalangeal thumb. Also called: Thumb polydactyly; Polydactyly, preaxial I; FROMONT ANOMALY; Preaxial hand polydactyly. Identifiers: Orphanet 93339, MedGen C1395852, MONDO:0008269, OMIM 174400, HP:0001177.
Polydactyly, postaxial, type A8. Identifiers: MedGen C4748277, MONDO:0029130, OMIM 618123.

Allele frequency attached by ClinVar (database versions not stated): gnomAD 0.00001 and 0.00009; TOPMed 0.00001; gnomAD exomes 0.00011 and 0.00021; ExAC 0.00022.
gnomAD v4.1: 178 of 1,614,062 alleles (0.011%); highest among the groups gnomAD compares: South Asian, 0.16%; 2 homozygotes.

Submissions (3):

Neuberg Centre For Genomic Medicine, NCGM
Classification: Uncertain significance for Polydactyly, postaxial, type A8. Last evaluated: 2023-07-22. Review status: criteria provided, single submitter. Criteria: ACMG Guidelines, 2015. Collection method: clinical testing. Allele origin: germline. Inheritance: Autosomal recessive inheritance. Affected: yes.
Comment: The observed missense c.1517T>Ap.Leu506Gln variant in GLI1 gene has not been reported previously as a pathogenic variant nor as a benign variant, to our knowledge. This variant is present with an allele frequency of 0.02% in gnomAD Exomes database. This variant has been submitted to the ClinVar database as Uncertain significance. Multiple lines of computational evidence Polyphen - Probably Damaging, SIFT - Damaging and MutationTaster - Disease causing predict damaging effect on protein structure and function for this variant. The reference amino acid in GLI1 is predicted as conserved by GERP++ and PhyloP across 100 vertebrates. The amino acid Leu at position 506 is changed to a Gln changing protein sequence and it might alter its composition and physico-chemical properties. For these reasons, this variant has been classified as Uncertain Significance VUS.

SIB Swiss Institute of Bioinformatics
Classification: Uncertain significance for Polydactyly of a biphalangeal thumb. Last evaluated: 2019-09-25. Review status: criteria provided, single submitter. Criteria: ACMG Guidelines, 2015. Collection method: curation. Allele origin: unknown.
Comment: This variant is interpreted as a variant of uncertain significance for Polydactyly, preaxial 1, autosomal recessive. The following ACMG Tag(s) were applied: PM2, PP3, PP1-Moderate.

OMIM
Classification: Pathogenic for POLYDACTYLY, PREAXIAL I (1 family). Last evaluated: 2021-05-04. Review status: no assertion criteria provided. Collection method: literature only. Allele origin: germline. Not counted in ClinVar's aggregate classification.

Literature cited by the submitters: PubMed 30620395 (cited by SIB Swiss Institute of Bioinformatics and OMIM).